The following is an entry in ClinVar:

ClinVar aggregate classification (germline): Likely benign. Review status: criteria provided, single submitter (1 of 4 stars). 2 submissions from 2 submitters: Likely benign (1). 1 of the submissions does not count toward it. Last evaluated 2024-06-22.

Conditions:
RAI1-related disorder. Also called: RAI1-related condition.

gnomAD v4.1: 1 of 1,613,950 alleles (0.000062%); highest among the groups gnomAD compares: South Asian, 0.0011%; no homozygotes.

Submissions (2):

Labcorp Genetics (formerly Invitae), Labcorp
Classification: Likely benign. Last evaluated: 2024-06-22. Review status: criteria provided, single submitter. Criteria: Invitae Variant Classification Sherloc (09022015). Collection method: clinical testing. Allele origin: germline.

PreventionGenetics, part of Exact Sciences
Classification: Likely benign for RAI1-related condition. Last evaluated: 2022-06-09. Review status: no assertion criteria provided. Collection method: clinical testing. Allele origin: germline. Not counted in ClinVar's aggregate classification.
Comment: This variant is classified as likely benign based on ACMG/AMP sequence variant interpretation guidelines (Richards et al. 2015 PMID: 25741868, with internal and published modifications).

NM_030665.4(RAI1):c.4179T>C (p.Thr1393=)

Gene: RAI1 (retinoic acid induced 1; plus strand). Cytogenetic location: 17p11.2.
Variant type: single nucleotide variant.
Coding change: c.4179T>C on transcript NM_030665.4 (MANE Select); coding-DNA position 4179, T replaced by C.
Protein change: p.Thr1393=; no amino-acid change (threonine 1393 retained).
Molecular consequence: synonymous variant.
Genome position (GRCh38, 1-based): chr17:17,797,127, T>C. VCF-style: chr17-17797127-T-C. GRCh37 (hg19) VCF-style: chr17-17700441-T-C.
Identifiers: ClinVar variation 3353405 (VCV003353405.3).
Genomic context (GRCh38, chr17:17,797,127, plus strand): 5'-CAGCCCAGTGGGGGTGGAAGAAGGCCTGGTAAATGTGGGCACCGGGCAGAAGCTCCCAAC[T>C]TCTGGGGCTGATCCGTTATGCAGAAATCCAACCAACAGATCCTTAAAAGGCAAACTCATG-3'
Protein context (NP_109590.3, residues 1383-1403): VNVGTGQKLP[Thr1393=]SGADPLCRNP